The following is an entry in ClinVar:

NM_002029.4(FPR1):c.534T>A (p.Phe178Leu)

Gene: FPR1 (formyl peptide receptor 1; minus strand). Cytogenetic location: 19q13.41.
Variant type: single nucleotide variant.
Coding change: c.534T>A on transcript NM_002029.4 (MANE Select); coding-DNA position 534, T replaced by A.
Protein change: p.Phe178Leu; replaces phenylalanine 178 with leucine.
Molecular consequence: missense variant.
Genome position (GRCh38, 1-based): chr19:51,746,461, A>T on the plus strand (T>A on the coding strand, the complement: FPR1 is on the minus strand). VCF-style: chr19-51746461-A-T. GRCh37 (hg19) VCF-style: chr19-52249714-A-T.
Other names: c.534T>A, p.Phe178Leu (NM_001193306.2); short protein forms F178L.
Identifiers: ClinVar variation 566652 (VCV000566652.2), dbSNP rs747450344, ClinGen allele CA9616443.

ClinVar aggregate classification (germline): Uncertain significance (1 of 4 stars; one submission).

Conditions:
Gingival disorder. Also called: Gingival disease. Identifiers: MedGen C0017563, MONDO:0002021.

Allele frequency attached by ClinVar (database versions not stated): gnomAD exomes below 0.00001 and 0.00002; TOPMed 0.00003; ExAC 0.00004.

Submission:

Labcorp Genetics (formerly Invitae), Labcorp
Classification: Uncertain significance for Gingival disorder. Last evaluated: 2025-05-04. Review status: criteria provided, single submitter. Criteria: Invitae Variant Classification Sherloc (09022015). Collection method: clinical testing. Allele origin: germline.
Comment: This sequence change replaces phenylalanine, which is neutral and non-polar, with leucine, which is neutral and non-polar, at codon 178 of the FPR1 protein (p.Phe178Leu). This variant is present in population databases (rs747450344, gnomAD 0.01%). This variant has not been reported in the literature in individuals affected with FPR1-related conditions. ClinVar contains an entry for this variant (Variation ID: 566652). An algorithm developed to predict the effect of missense changes on protein structure and function outputs the following: PolyPhen-2: "Benign". The leucine amino acid residue is found in multiple mammalian species, which suggests that this missense change does not adversely affect protein function. In summary, the available evidence is currently insufficient to determine the role of this variant in disease. Therefore, it has been classified as a Variant of Uncertain Significance.